The following is an entry in ClinVar:

ClinVar aggregate classification (germline): Uncertain significance (1 of 4 stars; one submission).

Conditions:
Complement component 2 deficiency (C2D). Also called: C2 deficiency. Identifiers: MedGen C0398756, MONDO:0009006, OMIM 217000.

Allele frequency attached by ClinVar (database versions not stated): ESP Exome Variant Server 0.00015; 1000 Genomes Project 0.00020; 1000 Genomes Project 30x 0.00031.
gnomAD v4.1: 371 of 1,614,056 alleles (0.023%); highest among the groups gnomAD compares: Admixed American, 0.037%; 2 homozygotes.

Submission:

Labcorp Genetics (formerly Invitae), Labcorp
Classification: Uncertain significance. Last evaluated: 2022-08-15. Review status: criteria provided, single submitter. Criteria: Invitae Variant Classification Sherloc (09022015). Collection method: clinical testing. Allele origin: germline.
Comment: This sequence change replaces serine, which is neutral and polar, with tryptophan, which is neutral and slightly polar, at codon 266 of the C2 protein (p.Ser266Trp). This variant is present in population databases (rs116568722, gnomAD 0.04%). This variant has not been reported in the literature in individuals affected with C2-related conditions. ClinVar contains an entry for this variant (Variation ID: 1432615). Algorithms developed to predict the effect of missense changes on protein structure and function are either unavailable or do not agree on the potential impact of this missense change (SIFT: "Deleterious"; PolyPhen-2: "Probably Damaging"; Align-GVGD: "Class C0"). Algorithms developed to predict the effect of sequence changes on RNA splicing suggest that this variant may disrupt the consensus splice site. In summary, the available evidence is currently insufficient to determine the role of this variant in disease. Therefore, it has been classified as a Variant of Uncertain Significance.

NM_000063.6(C2):c.797C>G (p.Ser266Trp)

Gene: C2 (complement C2; plus strand). Cytogenetic location: 6p21.33.
Variant type: single nucleotide variant.
Coding change: c.797C>G on transcript NM_000063.6 (MANE Select); coding-DNA position 797, C replaced by G.
Protein change: p.Ser266Trp; replaces serine 266 with tryptophan.
Molecular consequence: missense variant. On other transcripts: intron variant (2).
Genome position (GRCh38, 1-based): chr6:31,934,247, C>G. VCF-style: chr6-31934247-C-G. GRCh37 (hg19) VCF-style: chr6-31902024-C-G.
Other names: c.797C>G (NM_000063.5); c.401C>G, p.Ser134Trp (NM_001145903.3); c.710C>G, p.Ser237Trp (NM_001282458.2); c.797C>G, p.Ser266Trp (NM_001282459.2); c.111+464C>G (NM_001282457.2); c.346+282C>G (NM_001178063.3); short protein forms S134W, S266W, S237W.
Identifiers: ClinVar variation 1432615 (VCV001432615.4), dbSNP rs116568722, ClinGen allele CA3727517.